The following is an entry in ClinVar:

NM_001127222.2(CACNA1A):c.1306G>A (p.Glu436Lys)

Gene: CACNA1A (calcium voltage-gated channel subunit alpha1 A; minus strand). Cytogenetic location: 19p13.13.
Variant type: single nucleotide variant.
Coding change: c.1306G>A on transcript NM_001127222.2 (MANE Select); coding-DNA position 1306, G replaced by A.
Protein change: p.Glu436Lys; replaces glutamic acid 436 with lysine.
Molecular consequence: missense variant.
Genome position (GRCh38, 1-based): chr19:13,330,283, C>T on the plus strand (G>A on the coding strand, the complement: CACNA1A is on the minus strand). VCF-style: chr19-13330283-C-T. GRCh37 (hg19) VCF-style: chr19-13441097-C-T.
Other names: c.1309G>A (NM_000068.2); c.1309G>A, p.Glu437Lys (NM_000068.4, NM_001127221.2, NM_001174080.2 and 1 more transcripts); short protein forms E436K, E437K.
Identifiers: ClinVar variation 847841 (VCV000847841.14), dbSNP rs759782636, ClinGen allele CA9240851.

ClinVar aggregate classification (germline): Uncertain significance. Review status: criteria provided, multiple submitters, no conflicts (2 of 4 stars). 4 submissions from 4 submitters: Uncertain significance (4). Last evaluated 2025-10-07.

Conditions:
Episodic ataxia type 2 (EA2). Also called: ACETAZOLAMIDE-RESPONSIVE HEREDITARY PAROXYSMAL CEREBELLAR ATAXIA; ATAXIA, EPISODIC, WITH NYSTAGMUS; ATAXIA, FAMILIAL PAROXYSMAL; CEREBELLAR ATAXIA, PAROXYSMAL, ACETAZOLAMIDE-RESPONSIVE; CEREBELLOPATHY, HEREDITARY PAROXYSMAL; EPISODIC ATAXIA, NYSTAGMUS-ASSOCIATED. Identifiers: Orphanet 97, MedGen C1720416, MONDO:0007163, OMIM 108500.
Spinocerebellar ataxia type 6 (SCA6). Identifiers: Orphanet 98758, MedGen C0752124, MONDO:0008457, OMIM 183086.
Migraine, familial hemiplegic, 1. Also called: MIGRAINE, FAMILIAL HEMIPLEGIC 1, WITH PROGRESSIVE CEREBELLAR ATAXIA. Identifiers: Orphanet 569, MedGen C1832884, MONDO:0020756, OMIM 141500, MONDO:0007714.
Developmental and epileptic encephalopathy, 42 (DEE42A). Also called: DEVELOPMENTAL AND EPILEPTIC ENCEPHALOPATHY 42A; EPILEPTIC ENCEPHALOPATHY, EARLY INFANTILE, 42A; Epileptic encephalopathy, early infantile, 42. Identifiers: MedGen C4310716, MONDO:0014917, OMIM 617106.

Allele frequency attached by ClinVar (database versions not stated): ExAC below 0.00001; gnomAD exomes 0.00002 and 0.00003; TOPMed 0.00002; gnomAD 0.00004.
gnomAD v4.1: 35 of 1,563,072 alleles (0.0022%); highest among the groups gnomAD compares: African/African-American, 0.011%; 1 homozygote.

Submissions (4):

GeneDx
Classification: Uncertain significance. Last evaluated: 2025-10-07. Review status: criteria provided, single submitter. Criteria: GeneDx Variant Classification Process June 2021. Collection method: clinical testing. Allele origin: germline. Affected: yes.
Comment: In silico analysis supports that this missense variant has a deleterious effect on protein structure/function; Has not been previously published as pathogenic or benign to our knowledge

Labcorp Genetics (formerly Invitae), Labcorp
Classification: Uncertain significance for Developmental and epileptic encephalopathy, 42; Episodic ataxia type 2. Last evaluated: 2025-07-02. Review status: criteria provided, single submitter. Criteria: Invitae Variant Classification Sherloc (09022015). Collection method: clinical testing. Allele origin: germline.
Comment: This sequence change replaces glutamic acid, which is acidic and polar, with lysine, which is basic and polar, at codon 437 of the CACNA1A protein (p.Glu437Lys). The frequency data for this variant in the population databases is considered unreliable, as metrics indicate poor data quality at this position in the gnomAD database. This variant has not been reported in the literature in individuals affected with CACNA1A-related conditions. ClinVar contains an entry for this variant (Variation ID: 847841). Invitae Evidence Modeling of protein sequence and biophysical properties (such as structural, functional, and spatial information, amino acid conservation, physicochemical variation, residue mobility, and thermodynamic stability) indicates that this missense variant is expected to disrupt CACNA1A protein function with a positive predictive value of 95%. In summary, the available evidence is currently insufficient to determine the role of this variant in disease. Therefore, it has been classified as a Variant of Uncertain Significance.

Athena Diagnostics
Classification: Uncertain significance. Last evaluated: 2023-02-01. Review status: criteria provided, single submitter. Criteria: Athena Diagnostics Criteria. Collection method: clinical testing. Allele origin: unknown.
Comment: Available data are insufficient to determine the clinical significance of the variant at this time. The frequency of this variant in the general population is uninformative in assessment of its pathogenicity. This variant has been seen where an alternate explanation for disease was also identified, suggesting this variant may not cause disease. Computational tools predict that this variant is damaging.

Fulgent Genetics
Classification: Uncertain significance for Episodic ataxia type 2; Migraine, familial hemiplegic, 1; Spinocerebellar ataxia type 6; Developmental and epileptic encephalopathy, 42. Last evaluated: 2022-02-10. Review status: criteria provided, single submitter. Criteria: ACMG Guidelines, 2015. Collection method: clinical testing. Allele origin: unknown.